The following is an entry in ClinVar:

ClinVar aggregate classification (germline): Conflicting classifications of pathogenicity. Review status: criteria provided, conflicting classifications (1 of 4 stars). 2 submissions from 2 submitters: Uncertain significance (1); Likely benign (1). Last evaluated 2026-04-04.

Conditions:
Inborn genetic diseases. Identifiers: MedGen C0950123, MeSH D030342.

gnomAD v4.1: 8 of 1,614,106 alleles (0.0005%); highest among the groups gnomAD compares: Admixed American, 0.012%; no homozygotes.

Submissions (2):

GeneDx
Classification: Uncertain significance. Last evaluated: 2026-04-04. Review status: criteria provided, single submitter. Criteria: GeneDx Variant Classification Process June 2021. Collection method: clinical testing. Allele origin: germline.
Comment: In silico analysis suggests that this missense variant does not alter protein structure/function; Has not been previously published as pathogenic or benign to our knowledge; In silico analysis is inconclusive as to whether the variant alters gene splicing. In the absence of RNA/functional studies, the actual effect of this sequence change is unknown.

Ambry Genetics
Classification: Likely benign for Inborn genetic diseases. Last evaluated: 2024-10-20. Review status: criteria provided, single submitter. Criteria: Ambry Variant Classification Scheme 2023. Collection method: clinical testing. Allele origin: germline.

NM_001256317.3(TMPRSS3):c.338A>G (p.Gln113Arg)

Gene: TMPRSS3 (transmembrane serine protease 3; minus strand). Cytogenetic location: 21q22.3.
Variant type: single nucleotide variant.
Coding change: c.338A>G on transcript NM_001256317.3 (MANE Select); coding-DNA position 338, A replaced by G.
Protein change: p.Gln113Arg; replaces glutamine 113 with arginine.
Molecular consequence: missense variant. On other transcripts: 5 prime UTR variant (1).
Genome position (GRCh38, 1-based): chr21:42,388,511, T>C on the plus strand (A>G on the coding strand, the complement: TMPRSS3 is on the minus strand). VCF-style: chr21-42388511-T-C. GRCh37 (hg19) VCF-style: chr21-43808620-T-C.
Other names: c.338A>G, p.Gln113Arg (NM_024022.4, NM_032405.2); c.-44A>G (NM_032404.3); short protein forms Q113R.
Identifiers: ClinVar variation 3458856 (VCV003458856.2).